The following is an entry in ClinVar:

ClinVar aggregate classification (germline): Likely benign (1 of 4 stars; one submission).

Allele frequency attached by ClinVar (database versions not stated): TOPMed 0.00001.
gnomAD v4.1: 11 of 1,613,740 alleles (0.00068%); highest among the groups gnomAD compares: Admixed American, 0.0033%; no homozygotes.

Submission:

GeneDx
Classification: Likely benign. Last evaluated: 2015-07-15. Review status: criteria provided, single submitter. Criteria: GeneDx Variant Classification (06012015). Collection method: clinical testing. Allele origin: germline. Affected: yes.
Comment: This variant is considered likely benign or benign based on one or more of the following criteria: it is a conservative change, it occurs at a poorly conserved position in the protein, it is predicted to be benign by multiple in silico algorithms, and/or has population frequency not consistent with disease.

NM_000719.7(CACNA1C):c.3946-45C>A

Gene: CACNA1C (calcium voltage-gated channel subunit alpha1 C; plus strand). Cytogenetic location: 12p13.33.
Variant type: single nucleotide variant.
Coding change: c.3946-45C>A on transcript NM_000719.7 (MANE Select); 45 bases into the intron before coding-DNA position 3946, C replaced by A.
Molecular consequence: intron variant. On other transcripts: missense variant (1).
Genome position (GRCh38, 1-based): chr12:2,651,595, C>A. VCF-style: chr12-2651595-C-A. GRCh37 (hg19) VCF-style: chr12-2760761-C-A.
Other names: c.3967C>A, p.Pro1323Thr (NM_001129829.2); c.3946-45C>A (NM_001167624.3, NM_001167623.2, NM_001129840.2 and 7 more transcripts); c.3913-45C>A (NM_001167625.2, NM_001129837.2, NM_001129838.2 and 1 more transcripts); c.4090-45C>A (NM_199460.4, NM_001129827.2); c.4006-45C>A (NM_001129832.2); c.4030-45C>A (NM_001129831.2); c.3907-45C>A (NM_001129839.2); c.3997-45C>A (NM_001129836.2); and 1 more; short protein forms P1323T.
Identifiers: ClinVar variation 380306 (VCV000380306.1), dbSNP rs201551454, ClinGen allele CA16606584.
Genomic context (GRCh38, chr12:2,651,595, plus strand): 5'-GCCTTCCGCCACTGCCACTGAGGTCTGTATTTCTCGGAGGGGCCCTCCTGTTCTCACCCC[C>A]CTCTTGCTGTGCTAACTGCACCTCCTGTTGCCGACGGGTTCCAGAACGCAGAGGAAAACT-3'